The following is an entry in ClinVar:

NM_004656.4(BAP1):c.1981A>C (p.Lys661Gln)

Gene: BAP1 (BRCA1 associated deubiquitinase 1; minus strand). Cytogenetic location: 3p21.1.
Variant type: single nucleotide variant.
Coding change: c.1981A>C on transcript NM_004656.4 (MANE Select); coding-DNA position 1981, A replaced by C.
Protein change: p.Lys661Gln; replaces lysine 661 with glutamine.
Molecular consequence: missense variant.
Genome position (GRCh38, 1-based): chr3:52,402,781, T>G on the plus strand (A>C on the coding strand, the complement: BAP1 is on the minus strand). VCF-style: chr3-52402781-T-G. GRCh37 (hg19) VCF-style: chr3-52436797-T-G.
Other names: c.1927A>C, p.Lys643Gln (NM_001410772.1); short protein forms K643Q, K661Q.
Identifiers: ClinVar variation 5032737 (VCV005032737.1).

ClinVar aggregate classification (germline): Uncertain significance (1 of 4 stars; one submission).

Conditions:
Hereditary cancer-predisposing syndrome. Also called: Neoplastic Syndromes, Hereditary; Tumor predisposition; Hereditary neoplastic syndrome; Hereditary Cancer Syndrome. Identifiers: Orphanet 140162, MedGen C0027672, MeSH D009386, MONDO:0015356.

Submission:

Ambry Genetics
Classification: Uncertain significance for Hereditary cancer-predisposing syndrome. Last evaluated: 2026-07-18. Review status: criteria provided, single submitter. Criteria: Ambry Variant Classification Scheme 2023. Collection method: clinical testing. Allele origin: germline.
Comment: The p.K661Q variant (also known as c.1981A>C), located in coding exon 15 of the BAP1 gene, results from an A to C substitution at nucleotide position 1981. The lysine at codon 661 is replaced by glutamine, an amino acid with similar properties. This amino acid position is conserved. In addition, the in silico prediction for this alteration is inconclusive. Based on the available evidence, the clinical significance of this variant remains unclear.